The following is an entry in ClinVar:

NM_022124.6(CDH23):c.2580dup (p.Thr861fs)

Gene: CDH23 (cadherin related 23; plus strand). Cytogenetic location: 10q22.1.
Variant type: Duplication.
Coding change: c.2580dup on transcript NM_022124.6 (MANE Select); coding-DNA position 2580, one base duplicated (T; older notation c.2580dupT).
Protein change: p.Thr861fs; shifts the reading frame from threonine 861.
Molecular consequence: frameshift variant.
Genome position (GRCh38, 1-based): chr10:71,702,204, T duplicated; the last of 2 consecutive T bases (chr10:71,702,203-71,702,204); duplicating either gives the same sequence. VCF-style (leftmost placement, unchanged base first): chr10-71702202-G-GT. GRCh37 (hg19) VCF-style: chr10-73461959-G-GT.
Other names: c.2580dup, p.Thr861fs (NM_001171930.2, NM_001171931.2); short protein forms T861fs.
Identifiers: ClinVar variation 3601205 (VCV003601205.1).
Genomic context (GRCh38, chr10:71,702,202, plus strand): 5'-CTGGACCGGGAGAACCCCGACCCCCATGAGGCCGAGCTGATGCGCAAAATCGTCGTCTCT[G>GT]TTACTGACTGTATGGACCCCTCTCGCCCCTCACGGCCCCCACACCTTAGGCTGCGGGTGT-3'

ClinVar aggregate classification (germline): Likely pathogenic (1 of 4 stars; one submission).

Conditions:
Autosomal recessive nonsyndromic hearing loss 12. Also called: DEAFNESS, AUTOSOMAL RECESSIVE 12. Identifiers: Orphanet 90636, MedGen C1832394, MONDO:0011067, OMIM 601386.

Submission:

Institute of Rare Diseases, West China Hospital, Sichuan University
Classification: Likely pathogenic for Autosomal recessive nonsyndromic hearing loss 12. Last evaluated: 2025-01-09. Review status: criteria provided, single submitter. Criteria: ClinGen HL ACMG Specifications v1. Collection method: research. Allele origin: germline. Affected: yes.
Comment: PVS1;PM2_Supporting